The following is an entry in ClinVar:

NM_206933.4(USH2A):c.850G>C (p.Glu284Gln)

Gene: USH2A (usherin; minus strand). Cytogenetic location: 1q41.
Variant type: single nucleotide variant.
Coding change: c.850G>C on transcript NM_206933.4 (MANE Select); coding-DNA position 850, G replaced by C.
Protein change: p.Glu284Gln; replaces glutamic acid 284 with glutamine.
Molecular consequence: missense variant.
Genome position (GRCh38, 1-based): chr1:216,325,598, C>G on the plus strand (G>C on the coding strand, the complement: USH2A is on the minus strand). VCF-style: chr1-216325598-C-G. GRCh37 (hg19) VCF-style: chr1-216498940-C-G.
Other names: c.850G>C, p.Glu284Gln (NM_007123.6); short protein forms E284Q.
Identifiers: ClinVar variation 2180212 (VCV002180212.1), dbSNP rs763780083, ClinGen allele CA1396656.

ClinVar aggregate classification (germline): Uncertain significance (1 of 4 stars; one submission).

Allele frequency attached by ClinVar (database versions not stated): ExAC 0.00001.
gnomAD v4.1: 2 of 1,612,766 alleles (0.00012%); highest among the groups gnomAD compares: Admixed American, 0.0033%; no homozygotes.

Submission:

Labcorp Genetics (formerly Invitae), Labcorp
Classification: Uncertain significance. Last evaluated: 2022-02-08. Review status: criteria provided, single submitter. Criteria: Invitae Variant Classification Sherloc (09022015). Collection method: clinical testing. Allele origin: germline.
Comment: This sequence change replaces glutamic acid, which is acidic and polar, with glutamine, which is neutral and polar, at codon 284 of the USH2A protein (p.Glu284Gln). This variant is present in population databases (rs763780083, gnomAD 0.003%). This variant has not been reported in the literature in individuals affected with USH2A-related conditions. Algorithms developed to predict the effect of missense changes on protein structure and function are either unavailable or do not agree on the potential impact of this missense change (SIFT: "Deleterious"; PolyPhen-2: "Probably Damaging"; Align-GVGD: "Class C0"). This variant disrupts the p.Glu284 amino acid residue in USH2A. Other variant(s) that disrupt this residue have been determined to be pathogenic (Invitae). This suggests that this residue is clinically significant, and that variants that disrupt this residue are likely to be disease-causing. In summary, the available evidence is currently insufficient to determine the role of this variant in disease. Therefore, it has been classified as a Variant of Uncertain Significance.